The following is an entry in ClinVar:

NM_004963.4(GUCY2C):c.52G>A (p.Gly18Arg)

Genes: GUCY2C (guanylate cyclase 2C; minus strand), GUCY2C-AS1 (GUCY2C antisense RNA 1; plus strand). Cytogenetic location: 12p12.3.
Variant type: single nucleotide variant.
Coding change: c.52G>A on transcript NM_004963.4 (MANE Select); coding-DNA position 52, G replaced by A.
Protein change: p.Gly18Arg; replaces glycine 18 with arginine.
Molecular consequence: missense variant.
Genome position (GRCh38, 1-based): chr12:14,696,397, C>T on the plus strand (G>A on the coding strand, the complement: GUCY2C is on the minus strand). VCF-style: chr12-14696397-C-T. GRCh37 (hg19) VCF-style: chr12-14849331-C-T.
Other names: short protein forms G18R.
Identifiers: ClinVar variation 1512774 (VCV001512774.10), dbSNP rs780575858, ClinGen allele CA6463856.

ClinVar aggregate classification (germline): Uncertain significance. Review status: criteria provided, multiple submitters, no conflicts (2 of 4 stars). 4 submissions from 4 submitters: Uncertain significance (4). Last evaluated 2026-01-05.

Conditions:
Inborn genetic diseases. Identifiers: MedGen C0950123, MeSH D030342.

gnomAD v4.1: 46 of 1,613,968 alleles (0.0029%); highest among the groups gnomAD compares: African/African-American, 0.032%; no homozygotes.

Submissions (4):

Labcorp Genetics (formerly Invitae), Labcorp
Classification: Uncertain significance. Last evaluated: 2026-01-05. Review status: criteria provided, single submitter. Criteria: Invitae Variant Classification Sherloc (09022015). Collection method: clinical testing. Allele origin: germline.
Comment: This sequence change replaces glycine, which is neutral and non-polar, with arginine, which is basic and polar, at codon 18 of the GUCY2C protein (p.Gly18Arg). This variant is present in population databases (rs780575858, gnomAD 0.02%). This variant has not been reported in the literature in individuals affected with GUCY2C-related conditions. ClinVar contains an entry for this variant (Variation ID: 1512774). An algorithm developed to predict the effect of missense changes on protein structure and function outputs the following: PolyPhen-2: "Benign". The arginine amino acid residue is found in multiple mammalian species, which suggests that this missense change does not adversely affect protein function. In summary, the available evidence is currently insufficient to determine the role of this variant in disease. Therefore, it has been classified as a Variant of Uncertain Significance.

Ambry Genetics
Classification: Uncertain significance for Inborn genetic diseases. Last evaluated: 2022-04-25. Review status: criteria provided, single submitter. Criteria: Ambry Variant Classification Scheme 2023. Collection method: clinical testing. Allele origin: germline.

GeneDx
Classification: Uncertain significance. Last evaluated: 2022-04-01. Review status: criteria provided, single submitter. Criteria: GeneDx Variant Classification Process June 2021. Collection method: clinical testing. Allele origin: germline. Affected: yes.
Comment: In silico analysis supports that this missense variant does not alter protein structure/function; Has not been previously published as pathogenic or benign to our knowledge

Breakthrough Genomics
Classification: Uncertain significance. Review status: criteria provided, single submitter. Criteria: ACMG Guidelines, 2015. Collection method: not provided. Allele origin: germline. Inheritance: Autosomal recessive inheritance. Affected: yes.